The following is an entry in ClinVar:

NM_022552.5(DNMT3A):c.2175G>A (p.Glu725=)

Gene: DNMT3A (DNA methyltransferase 3 alpha; minus strand). Cytogenetic location: 2p23.3.
Variant type: single nucleotide variant.
Coding change: c.2175G>A on transcript NM_022552.5 (MANE Select); coding-DNA position 2175, G replaced by A.
Protein change: p.Glu725=; no amino-acid change (glutamic acid 725 retained).
Molecular consequence: synonymous variant. On other transcripts: non-coding transcript variant (1).
Genome position (GRCh38, 1-based): chr2:25,240,449, C>T on the plus strand (G>A on the coding strand, the complement: DNMT3A is on the minus strand). VCF-style: chr2-25240449-C-T. GRCh37 (hg19) VCF-style: chr2-25463318-C-T.
Other names: c.1719G>A, p.Glu573= (NM_001320893.1); c.1506G>A, p.Glu502= (NM_001375819.1); c.1608G>A, p.Glu536= (NM_153759.3); c.2175G>A, p.Glu725= (NM_175629.2).
Identifiers: ClinVar variation 500593 (VCV000500593.6), dbSNP rs1295503544, ClinGen allele CA425181527.
Genomic context (GRCh38, chr2:25,240,449, plus strand): 5'-CTCCTTGGGCCGCGCATCATGCAGGAGGCGGTAGAACTCAAAGAAGAGCCGGCCAGTGCC[C>T]TCTGAGAGGTCGGAAGAGAAAGCCATCAGCTGGGGCTGTCTGCATAGGACAGTGGTGTGG-3'
Protein context (NP_072046.2, residues 715-735): IVNPARKGLY[Glu725=]GTGRLFFEFY

ClinVar aggregate classification (germline): Uncertain significance. Review status: criteria provided, multiple submitters, no conflicts (2 of 4 stars). 2 submissions from 2 submitters: Uncertain significance (2). Last evaluated 2025-07-24.

Allele frequency attached by ClinVar (database versions not stated): TOPMed below 0.00001; gnomAD 0.00001.
gnomAD v4.1: 1 of 1,604,634 alleles (0.000062%); highest among the groups gnomAD compares: Middle Eastern, 0.017%; no homozygotes.

Submissions (2):

GeneDx
Classification: Uncertain significance. Last evaluated: 2025-07-24. Review status: criteria provided, single submitter. Criteria: GeneDx Variant Classification Process June 2021. Collection method: clinical testing. Allele origin: germline. Affected: yes.
Comment: Not observed at significant frequency in large population cohorts (gnomAD); In silico analysis supports a deleterious effect on splicing; Has not been previously published as pathogenic or benign to our knowledge

Eurofins Ntd Llc (ga)
Classification: Uncertain significance. Last evaluated: 2017-03-13. Review status: criteria provided, single submitter. Criteria: EGL Classification Definitions 2015. Collection method: clinical testing. Allele origin: germline. Observed: 1 variant allele, 1 heterozygote.